The following is an entry in ClinVar:

NM_001754.5(RUNX1):c.952dup (p.Ser318fs)

Gene: RUNX1 (RUNX family transcription factor 1; minus strand). Cytogenetic location: 21q22.12.
Variant type: Duplication.
Coding change: c.952dup on transcript NM_001754.5 (MANE Select); coding-DNA position 952, one base duplicated (T; older notation c.952dupT).
Protein change: p.Ser318fs; shifts the reading frame from serine 318.
Molecular consequence: frameshift variant.
Genome position (GRCh38, 1-based): chr21:34,799,316, A duplicated on the plus strand (T on the coding strand, the reverse complement: RUNX1 is on the minus strand); the first of 3 consecutive A bases (chr21:34,799,316-34,799,318); duplicating any one gives the same sequence. VCF-style (leftmost placement, unchanged base first): chr21-34799315-G-GA. GRCh37 (hg19) VCF-style: chr21-36171612-G-GA.
Other names: NM_001754.5(RUNX1):c.952dup; p.Ser318fs; c.871dup, p.Ser291fs (NM_001001890.3); short protein forms S318fs, S291fs.
Identifiers: ClinVar variation 2825312 (VCV002825312.4), dbSNP rs2516860915, ClinGen allele CA645614129.

ClinVar aggregate classification (germline): Uncertain significance. Review status: reviewed by expert panel (3 of 4 stars). 2 submissions from 2 submitters: Uncertain significance (1). 1 of the submissions does not count toward it. Last evaluated 2024-09-12.

Conditions:
Hereditary thrombocytopenia and hematological cancer predisposition syndrome associated with RUNX1. Also called: Familial Platelet Disorder with Propensity to Acute Myelogenous Leukemia; Familial thrombocytopenia with propensity to acute myelogenous leukemia; PLATELET DISORDER, ASPIRIN-LIKE; RUNX1 Familial Platelet Disorder with Associated Myeloid Malignancies. Identifiers: Orphanet 71290, MedGen C1832388, MeSH C563324, MONDO:0100083, OMIM 601399.
Hereditary thrombocytopenia and hematologic cancer predisposition syndrome. Identifiers: Orphanet 71290, MedGen CN281654, MONDO:0011071.

Submissions (2):

ClinGen Myeloid Malignancy Variant Curation Expert Panel
Classification: Uncertain significance for Hereditary thrombocytopenia and hematologic cancer predisposition syndrome. Last evaluated: 2024-09-12. Review status: reviewed by expert panel. Criteria: ClinGen MyeloMalig ACMG Specifications v2. Collection method: curation. Allele origin: germline. Inheritance: Autosomal dominant inheritance.
Comment: NM_001754.5(RUNX1):c.952dup (p.Ser318PhefsTer?) is a frameshift variant. This variant is not predicted to undergo nonsense-mediated decay (NMD), and the truncated/altered region is critical for protein function (frameshift (+) c.780-c.1440 as per VCEP specifications) (PVS1_Strong). It is completely absent from all population databases with at least 20x coverage for RUNX1 (PM2_Supporting). In summary, the clinical significance of this variant is uncertain. ACMG/AMP criteria applied, as specified by the Myeloid Malignancy Variant Curation Expert Panel for RUNX1: PVS1_Strong, PM2_Supporting.

Labcorp Genetics (formerly Invitae), Labcorp
Classification: Pathogenic for Hereditary thrombocytopenia and hematological cancer predisposition syndrome associated with RUNX1. Last evaluated: 2023-04-03. Review status: criteria provided, single submitter. Criteria: Invitae Variant Classification Sherloc (09022015). Collection method: clinical testing. Allele origin: germline. Not counted in ClinVar's aggregate classification.
Comment: This sequence change results in a frameshift in the RUNX1 gene (p.Ser318Phefs*282). While this is not anticipated to result in nonsense mediated decay, it is expected to disrupt the last 163 amino acid(s) of the RUNX1 protein and extend the protein by 118 additional amino acid residues. For these reasons, this variant has been classified as Pathogenic. This variant disrupts a region of the RUNX1 protein in which other variant(s) (p.Arg320*) have been determined to be pathogenic (PMID: 18723428, 25840971, 31064749, 32208489). This suggests that this is a clinically significant region of the protein, and that variants that disrupt it are likely to be disease-causing. This variant has not been reported in the literature in individuals affected with RUNX1-related conditions. This variant is not present in population databases (gnomAD no frequency).

Literature cited by the submitters: PubMed 18723428 (cited by Labcorp Genetics (formerly Invitae), Labcorp); PubMed 25840971 (cited by Labcorp Genetics (formerly Invitae), Labcorp); PubMed 31064749 (cited by Labcorp Genetics (formerly Invitae), Labcorp); PubMed 32208489 (cited by Labcorp Genetics (formerly Invitae), Labcorp).